The following is an entry in ClinVar:

ClinVar aggregate classification (germline): Benign. Review status: criteria provided, multiple submitters, no conflicts (2 of 4 stars). 22 submissions from 15 submitters: Benign (20). 2 of the submissions do not count toward it. Last evaluated 2026-02-04.

Conditions:
Cardiovascular phenotype. Identifiers: MedGen CN230736.
Dilated cardiomyopathy 1G (CMD1G). Identifiers: Orphanet 154, MedGen C1858763, MONDO:0011400, OMIM 604145.
Autosomal recessive limb-girdle muscular dystrophy type 2J (LGMDR10). Also called: Limb-girdle muscular dystrophy, type 2J; MUSCULAR DYSTROPHY, LIMB-GIRDLE, AUTOSOMAL RECESSIVE 10. Identifiers: Orphanet 140922, MedGen C1837342, MONDO:0012127, OMIM 608807.
Early-onset myopathy with fatal cardiomyopathy (CMYO5). Also called: CONGENITAL MYOPATHY 5 WITH CARDIOMYOPATHY; Salih Myopathy. Identifiers: Orphanet 289377, MedGen C2673677, MONDO:0012714, OMIM 611705. Disease mechanism: loss of function.
Myopathy, myofibrillar, 9, with early respiratory failure (MFM9). Also called: MYOPATHY, PROXIMAL, WITH EARLY RESPIRATORY MUSCLE INVOLVEMENT; Myopathy, distal, with early respiratory failure, autosomal dominant; Hereditary myopathy with early respiratory failure; EDSTROM MYOPATHY. Identifiers: Orphanet 178464, Orphanet 34521, MedGen C1863599, MONDO:0011362, OMIM 603689.
Tibial muscular dystrophy (TMD). Also called: Tibial muscular dystrophy, tardive; UDD MYOPATHY; Udd Distal Myopathy – Tibial Muscular Dystrophy. Identifiers: Orphanet 609, MedGen C1838244, MONDO:0010870, OMIM 600334.

Allele frequency attached by ClinVar (database versions not stated): ESP Exome Variant Server 0.07358; gnomAD exomes 0.09358 and 0.15354; gnomAD 0.09947 and 0.10612; TOPMed 0.11828; ExAC 0.14188; 1000 Genomes Project 30x 0.16661; 1000 Genomes Project 0.16773.
gnomAD v4.1: 153,082 of 1,613,924 alleles (9.5%); highest among the groups gnomAD compares: Admixed American, 38%; 11,790 homozygotes.

Submissions (22):

Labcorp Genetics (formerly Invitae), Labcorp
Classification: Benign for Dilated cardiomyopathy 1G; Autosomal recessive limb-girdle muscular dystrophy type 2J. Last evaluated: 2026-02-04. Review status: criteria provided, single submitter. Criteria: Invitae Variant Classification Sherloc (09022015). Collection method: clinical testing. Allele origin: germline.

Molecular Diagnostic Laboratory for Inherited Cardiovascular Disease, Montreal Heart Institute
Classification: Benign. Last evaluated: 2025-04-09. Review status: criteria provided, single submitter. Criteria: ACMG Guidelines, 2015. Collection method: clinical testing. Allele origin: germline. Affected: no.

Genome-Nilou Lab
Classification: Benign for Autosomal recessive limb-girdle muscular dystrophy type 2J. Last evaluated: 2021-09-10. Review status: criteria provided, single submitter. Criteria: ACMG Guidelines, 2015. Collection method: clinical testing. Allele origin: germline. Affected: no.

Genome-Nilou Lab
Classification: Benign for Myopathy, myofibrillar, 9, with early respiratory failure. Last evaluated: 2021-09-10. Review status: criteria provided, single submitter. Criteria: ACMG Guidelines, 2015. Collection method: clinical testing. Allele origin: germline. Affected: no.

Genome-Nilou Lab
Classification: Benign for Early-onset myopathy with fatal cardiomyopathy. Last evaluated: 2021-09-10. Review status: criteria provided, single submitter. Criteria: ACMG Guidelines, 2015. Collection method: clinical testing. Allele origin: germline. Affected: no.

Genome-Nilou Lab
Classification: Benign for Tibial muscular dystrophy. Last evaluated: 2021-09-10. Review status: criteria provided, single submitter. Criteria: ACMG Guidelines, 2015. Collection method: clinical testing. Allele origin: germline. Affected: no.

Women's Health and Genetics/Laboratory Corporation of America, LabCorp
Classification: Benign. Last evaluated: 2019-08-19. Review status: criteria provided, single submitter. Criteria: LabCorp Variant Classification Summary - May 2015. Collection method: clinical testing. Allele origin: germline.

Athena Diagnostics
Classification: Benign. Last evaluated: 2018-09-21. Review status: criteria provided, single submitter. Criteria: Athena Diagnostics Criteria. Collection method: clinical testing. Allele origin: germline.

Illumina Laboratory Services, Illumina
Classification: Benign for Tibial muscular dystrophy. Last evaluated: 2018-01-13. Review status: criteria provided, single submitter. Criteria: ICSL Variant Classification Criteria 13 December 2019. Collection method: clinical testing. Allele origin: germline.
Comment: This variant was observed in the ICSL laboratory as part of a predisposition screen in an ostensibly healthy population. It had not been previously curated by ICSL or reported in the Human Gene Mutation Database (HGMD: prior to June 1st, 2018), and was therefore a candidate for classification through an automated scoring system. Utilizing variant allele frequency, disease prevalence and penetrance estimates, and inheritance mode, an automated score was calculated to assess if this variant is too frequent to cause the disease. Based on the score and internal cut-off values, a variant classified as benign is not then subjected to further curation. The score for this variant resulted in a classification of benign for this disease.

Illumina Laboratory Services, Illumina
Classification: Benign for Autosomal recessive limb-girdle muscular dystrophy type 2J. Last evaluated: 2018-01-13. Review status: criteria provided, single submitter. Criteria: ICSL Variant Classification Criteria 13 December 2019. Collection method: clinical testing. Allele origin: germline.
Comment: the same text as in the submission from Illumina Laboratory Services, Illumina above.

Illumina Laboratory Services, Illumina
Classification: Benign for Dilated cardiomyopathy 1G. Last evaluated: 2018-01-13. Review status: criteria provided, single submitter. Criteria: ICSL Variant Classification Criteria 13 December 2019. Collection method: clinical testing. Allele origin: germline.
Comment: the same text as in the submission from Illumina Laboratory Services, Illumina above.

Illumina Laboratory Services, Illumina
Classification: Benign for Early-onset myopathy with fatal cardiomyopathy. Last evaluated: 2018-01-13. Review status: criteria provided, single submitter. Criteria: ICSL Variant Classification Criteria 13 December 2019. Collection method: clinical testing. Allele origin: germline.
Comment: the same text as in the submission from Illumina Laboratory Services, Illumina above.

Illumina Laboratory Services, Illumina
Classification: Benign for Myopathy, myofibrillar, 9, with early respiratory failure. Last evaluated: 2018-01-13. Review status: criteria provided, single submitter. Criteria: ICSL Variant Classification Criteria 13 December 2019. Collection method: clinical testing. Allele origin: germline.
Comment: the same text as in the submission from Illumina Laboratory Services, Illumina above.

Mayo Clinic Laboratories, Mayo Clinic
Classification: Benign. Last evaluated: 2017-07-25. Review status: criteria provided, single submitter. Criteria: ACMG Guidelines, 2015. Collection method: clinical testing. Allele origin: germline. Observed: 464 variant alleles.

Genetic Services Laboratory, University of Chicago
Classification: Benign for AllHighlyPenetrant. Last evaluated: 2013-08-15. Review status: criteria provided, single submitter. Criteria: ACMG Guidelines, 2007. Collection method: clinical testing. Allele origin: germline.

Ambry Genetics
Classification: Benign for Cardiovascular phenotype. Last evaluated: 2013-01-10. Review status: criteria provided, single submitter. Criteria: Ambry Autosomal Dominant and X-Linked criteria (10/2015). Collection method: clinical testing. Allele origin: germline. Observed: 1 variant allele.

GeneDx
Classification: Benign. Last evaluated: 2012-10-26. Review status: criteria provided, single submitter. Criteria: GeneDx Variant Classification (06012015). Collection method: clinical testing. Allele origin: germline. Affected: yes.
Comment: This variant is considered likely benign or benign based on one or more of the following criteria: it is a conservative change, it occurs at a poorly conserved position in the protein, it is predicted to be benign by multiple in silico algorithms, and/or has population frequency not consistent with disease.

Laboratory for Molecular Medicine, Mass General Brigham Personalized Medicine
Classification: Benign. Last evaluated: 2012-02-23. Review status: criteria provided, single submitter. Criteria: LMM Criteria. Collection method: clinical testing. Allele origin: germline. Observed: 332 variant alleles.
Comment: Glu3199Glu in exon 41 of TTN: This variant is not expected to have clinical sign ificance because it has been identified in 6.8% (480/7020) of European American chromosomes from a broad population by the NHLBI Exome Sequencing Project (dbSNP rs2291312).

Breakthrough Genomics
Classification: Benign. Review status: criteria provided, single submitter. Criteria: ACMG Guidelines, 2015. Collection method: not provided. Allele origin: germline. Inheritance: Autosomal recessive inheritance. Affected: yes.

PreventionGenetics, part of Exact Sciences
Classification: Benign. Review status: criteria provided, single submitter. Criteria: ACMG Guidelines, 2015. Collection method: clinical testing. Allele origin: germline.

Clinical Genetics DNA and cytogenetics Diagnostics Lab, Erasmus MC, Erasmus Medical Center
Classification: Benign. Review status: no assertion criteria provided. Collection method: clinical testing. Allele origin: germline. Affected: yes. Study: VKGL Data-share Consensus. Not counted in ClinVar's aggregate classification.

Clinical Genetics, Academic Medical Center
Classification: Benign. Review status: no assertion criteria provided. Collection method: clinical testing. Allele origin: germline. Affected: yes. Study: VKGL Data-share Consensus. Not counted in ClinVar's aggregate classification.

NM_001267550.2(TTN):c.9597A>G (p.Glu3199=)

Gene: TTN (titin; minus strand). Cytogenetic location: 2q31.2.
Variant type: single nucleotide variant.
Coding change: c.9597A>G on transcript NM_001267550.2 (MANE Select); coding-DNA position 9597, A replaced by G.
Protein change: p.Glu3199=; no amino-acid change (glutamic acid 3199 retained).
Molecular consequence: synonymous variant.
Genome position (GRCh38, 1-based): chr2:178,766,487, T>C on the plus strand (A>G on the coding strand, the complement: TTN is on the minus strand). VCF-style: chr2-178766487-T-C. GRCh37 (hg19) VCF-style: chr2-179631214-T-C.
Other names: p.E3199E:GAA>GAG; p.Glu3199=; c.9597A>G, p.Glu3199= (NM_001256850.1, NM_133378.4, NM_133379.5); c.9459A>G, p.Glu3153= (NM_003319.4, NM_133432.3, NM_133437.4).
Identifiers: ClinVar variation 47661 (VCV000047661.34), dbSNP rs2291312, ClinGen allele CA284269.
Genomic context (GRCh38, chr2:178,766,487, plus strand): 5'-GGTGTATTCTCCTGCATCGCTCTGTCTGGTCTCAGAGATAAACATTCGGTGGATTCTTCT[T>C]TCCACTACATATTTGTGTCGTTCTTGAACTTGGAAATTGATTTCAATGCCATCTTTATAC-3'
Protein context (NP_001254479.2, residues 3189-3209): QVQERHKYVV[Glu3199=]RRIHRMFISE